The following is an entry in ClinVar:

NM_138694.4(PKHD1):c.8492G>C (p.Arg2831Thr)

Gene: PKHD1 (PKHD1 ciliary IPT domain containing fibrocystin/polyductin; minus strand). Cytogenetic location: 6p12.3.
Variant type: single nucleotide variant.
Coding change: c.8492G>C on transcript NM_138694.4 (MANE Select); coding-DNA position 8492, G replaced by C.
Protein change: p.Arg2831Thr; replaces arginine 2831 with threonine.
Molecular consequence: missense variant.
Genome position (GRCh38, 1-based): chr6:51,775,870, C>G on the plus strand (G>C on the coding strand, the complement: PKHD1 is on the minus strand). VCF-style: chr6-51775870-C-G. GRCh37 (hg19) VCF-style: chr6-51640668-C-G.
Other names: c.8492G>C, p.Arg2831Thr (NM_170724.3); short protein forms R2831T.
Identifiers: ClinVar variation 3773997 (VCV003773997.2).

ClinVar aggregate classification (germline): Uncertain significance (1 of 4 stars; one submission).

gnomAD v4.1: 1 of 1,602,210 alleles (0.000062%); highest among the groups gnomAD compares: Non-Finnish European, 0.000085%; no homozygotes.

Submission:

GeneDx
Classification: Uncertain significance. Last evaluated: 2026-01-27. Review status: criteria provided, single submitter. Criteria: GeneDx Variant Classification Process June 2021. Collection method: clinical testing. Allele origin: germline.
Comment: Not observed at significant frequency in large population cohorts (gnomAD); In silico analysis supports that this missense variant has a deleterious effect on protein structure/function; Has not been previously published as pathogenic or benign to our knowledge; In silico analysis suggests this variant may impact gene splicing. In the absence of RNA/functional studies, the actual effect of this sequence change is unknown.